The following is an entry in ClinVar:

ClinVar aggregate classification (germline): Benign (1 of 4 stars; one submission).

Allele frequency attached by ClinVar (database versions not stated): 1000 Genomes Project 0.15715; 1000 Genomes Project 30x 0.16131; TOPMed 0.24634; gnomAD 0.25041 and 0.25347; gnomAD exomes 0.32146.
gnomAD v4.1: 499,181 of 1,591,914 alleles (31%); highest among the groups gnomAD compares: Admixed American, 37%; 84,549 homozygotes.

Submission:

GeneDx
Classification: Benign. Last evaluated: 2018-06-14. Review status: criteria provided, single submitter. Criteria: GeneDx Variant Classification (06012015). Collection method: clinical testing. Allele origin: germline. Affected: yes.
Comment: This variant is considered likely benign or benign based on one or more of the following criteria: it is a conservative change, it occurs at a poorly conserved position in the protein, it is predicted to be benign by multiple in silico algorithms, and/or has population frequency not consistent with disease.

NM_182961.4(SYNE1):c.12351+66T>C

Gene: SYNE1 (spectrin repeat containing nuclear envelope protein 1; minus strand). Cytogenetic location: 6q25.2.
Variant type: single nucleotide variant.
Coding change: c.12351+66T>C on transcript NM_182961.4 (MANE Select); 66 bases into the intron after coding-DNA position 12351, T replaced by C.
Molecular consequence: intron variant.
Genome position (GRCh38, 1-based): chr6:152,339,175, A>G on the plus strand (T>C on the coding strand, the complement: SYNE1 is on the minus strand). VCF-style: chr6-152339175-A-G. GRCh37 (hg19) VCF-style: chr6-152660310-A-G.
Other names: c.12138+66T>C (NM_033071.5).
Identifiers: ClinVar variation 670173 (VCV000670173.1), dbSNP rs4870095, ClinGen allele CA15435988.